The following is an entry in ClinVar:

NM_001031685.3(TP53BP2):c.1993C>T (p.His665Tyr)

Gene: TP53BP2 (tumor protein p53 binding protein 2; minus strand). Cytogenetic location: 1q41.
Variant type: single nucleotide variant.
Coding change: c.1993C>T on transcript NM_001031685.3 (MANE Select); coding-DNA position 1993, C replaced by T.
Protein change: p.His665Tyr; replaces histidine 665 with tyrosine.
Molecular consequence: missense variant.
Genome position (GRCh38, 1-based): chr1:223,796,546, G>A on the plus strand (C>T on the coding strand, the complement: TP53BP2 is on the minus strand). VCF-style: chr1-223796546-G-A. GRCh37 (hg19) VCF-style: chr1-223984248-G-A.
Other names: c.1606C>T, p.His536Tyr (NM_005426.3); short protein forms H536Y, H665Y.
Identifiers: ClinVar variation 3047799 (VCV003047799.2), dbSNP rs139387890, ClinGen allele CA1412687.

ClinVar aggregate classification (germline): Likely benign (0 of 4 stars; one submission).

Conditions:
TP53BP2-related disorder. Also called: TP53BP2-related condition.

Allele frequency attached by ClinVar (database versions not stated): gnomAD exomes 0.00009; ExAC 0.00027; ESP Exome Variant Server 0.00069; TOPMed 0.00094; gnomAD 0.00099; 1000 Genomes Project 0.00140; 1000 Genomes Project 30x 0.00141.
gnomAD v4.1: 301 of 1,613,390 alleles (0.019%); highest among the groups gnomAD compares: African/African-American, 0.36%; no homozygotes.

Submission:

PreventionGenetics, part of Exact Sciences
Classification: Likely benign for TP53BP2-related condition. Last evaluated: 2023-06-12. Review status: no assertion criteria provided. Collection method: clinical testing. Allele origin: germline.
Comment: This variant is classified as likely benign based on ACMG/AMP sequence variant interpretation guidelines (Richards et al. 2015 PMID: 25741868, with internal and published modifications).